The following is an entry in ClinVar:

ClinVar aggregate classification (germline): Likely pathogenic (1 of 4 stars; one submission).

Conditions:
Inborn genetic diseases. Identifiers: MedGen C0950123, MeSH D030342.

Submissions (2):

Ambry Genetics
Classification: Likely pathogenic for Inborn genetic diseases. Last evaluated: 2023-08-23. Review status: criteria provided, single submitter. Criteria: Ambry Variant Classification Scheme 2023. Collection method: clinical testing. Allele origin: germline.
Comment: The c.3805+1G>T intronic alteration results from a G to T substitution one nucleotide after exon 37 (coding exon 36) of the DEPDC5 gene. Alterations that disrupt the canonical splice site are expected to cause aberrant splicing, resulting in an abnormal protein or a transcript that is subject to nonsense-mediated mRNA decay. This variant was not reported in population-based cohorts in the Genome Aggregation Database (gnomAD). This nucleotide position is highly conserved in available vertebrate species. In silico splice site analysis predicts that this alteration will weaken the native splice donor site and may result in the creation or strengthening of a novel splice donor site. Based on the available evidence, this alteration is classified as likely pathogenic.

Dr. Peter K. Rogan Lab, Western University
No classification provided (evidence only). Condition: Familial cancer of breast. Review status: no classification provided. Collection method: in vitro. Allele origin: not applicable. Functional consequence: skipped exon. Not counted in ClinVar's aggregate classification.

NM_001242896.3(DEPDC5):c.3805+1G>T

Gene: DEPDC5 (DEP domain containing 5, GATOR1 subcomplex subunit; plus strand). Cytogenetic location: 22q12.3.
Variant type: single nucleotide variant.
Coding change: c.3805+1G>T on transcript NM_001242896.3 (MANE Select); the canonical splice donor site of the intron after coding-DNA position 3805, G replaced by T.
Molecular consequence: splice donor variant.
Genome position (GRCh38, 1-based): chr22:31,876,266, G>T. VCF-style: chr22-31876266-G-T. GRCh37 (hg19) VCF-style: chr22-32272252-G-T.
Other names: NC_000022.10:g.32272252G>T; c.3805+1G>T (NM_001364318.2); c.3778+1G>T (NM_001136029.4); c.3712+1G>T (NM_014662.6, NM_001369903.1); c.3739+1G>T (NM_001363852.2, NM_001364320.2); c.3571+1G>T (NM_001363854.2, NM_001364319.2); c.3505+1G>T (NM_001242897.2); c.3721+1G>T (NM_001369902.1, NM_001369901.1).
Identifiers: ClinVar variation 2615502 (VCV002615502.3), dbSNP rs2522513585, ClinGen allele CA411279889.
Genomic context (GRCh38, chr22:31,876,266, plus strand): 5'-GGACCTTCATCTACGGCTTCTATTTCTACAAGATAGTAACGGACAAAGAGCCCGACCGAG[G>T]TTAGAGCCGAGGCGAATGCGGTTGCCCACAGGGGCAAGTGTTTTTCCTGGTGACTTGCTC-3'